The following is an entry in ClinVar:

NM_004629.2(FANCG):c.937C>T (p.Pro313Ser)

Gene: FANCG (FA complementation group G; minus strand). Cytogenetic location: 9p13.3.
Variant type: single nucleotide variant.
Coding change: c.937C>T on transcript NM_004629.2 (MANE Select); coding-DNA position 937, C replaced by T.
Protein change: p.Pro313Ser; replaces proline 313 with serine.
Molecular consequence: missense variant.
Genome position (GRCh38, 1-based): chr9:35,076,571, G>A on the plus strand (C>T on the coding strand, the complement: FANCG is on the minus strand). VCF-style: chr9-35076571-G-A. GRCh37 (hg19) VCF-style: chr9-35076568-G-A.
Other names: short protein forms P313S.
Identifiers: ClinVar variation 4870997 (VCV004870997.1).

ClinVar aggregate classification (germline): Uncertain significance (1 of 4 stars; one submission).

Conditions:
Inborn genetic diseases. Identifiers: MedGen C0950123, MeSH D030342.

Submission:

Ambry Genetics
Classification: Uncertain significance for Inborn genetic diseases. Last evaluated: 2026-05-04. Review status: criteria provided, single submitter. Criteria: Ambry Variant Classification Scheme 2023. Collection method: clinical testing. Allele origin: germline.
Comment: The p.P313S variant (also known as c.937C>T), located in coding exon 8 of the FANCG gene, results from a C to T substitution at nucleotide position 937. The proline at codon 313 is replaced by serine, an amino acid with similar properties. This amino acid position is conserved. In addition, this alteration is predicted to be tolerated by in silico analysis. Based on the available evidence, the clinical significance of this variant remains unclear.